The following is an entry in ClinVar:

ClinVar aggregate classification (germline): Conflicting classifications of pathogenicity. Review status: criteria provided, conflicting classifications (1 of 4 stars). 6 submissions from 6 submitters: Uncertain significance (2); Benign (1); Likely benign (3). Last evaluated 2025-12-24.

Conditions:
Familial thoracic aortic aneurysm and aortic dissection (TAAD). Also called: Thoracic aortic aneurysms and dissections. Identifiers: Orphanet 91387, MedGen C4707243, MONDO:0019625.
Ehlers-Danlos syndrome, classic type, 1 (EDSCL1). Also called: Ehlers-Danlos Syndrome, Classic Type, COL5A1-Related; EDS I; Ehlers-Danlos syndrome, type 1; EHLERS-DANLOS SYNDROME, GRAVIS TYPE; EHLERS-DANLOS SYNDROME, SEVERE CLASSIC TYPE. Identifiers: MedGen C0268335, MONDO:0019567, OMIM 130000.

Allele frequency attached by ClinVar (database versions not stated): ExAC 0.00002; TOPMed 0.00003; gnomAD 0.00004; gnomAD exomes 0.00004.
gnomAD v4.1: 61 of 1,613,890 alleles (0.0038%); highest among the groups gnomAD compares: Admixed American, 0.01%; no homozygotes.

Submissions (6):

Ambry Genetics
Classification: Likely benign for Familial thoracic aortic aneurysm and aortic dissection. Last evaluated: 2025-12-24. Review status: criteria provided, single submitter. Criteria: Ambry Variant Classification Scheme 2023. Collection method: clinical testing. Allele origin: germline.

Labcorp Genetics (formerly Invitae), Labcorp
Classification: Benign for Ehlers-Danlos syndrome, classic type, 1. Last evaluated: 2025-12-21. Review status: criteria provided, single submitter. Criteria: Invitae Variant Classification Sherloc (09022015). Collection method: clinical testing. Allele origin: germline.

Women's Health and Genetics/Laboratory Corporation of America, LabCorp
Classification: Likely benign. Last evaluated: 2024-08-06. Review status: criteria provided, single submitter. Criteria: LabCorp Variant Classification Summary - May 2015. Collection method: clinical testing. Allele origin: germline.
Comment: Variant summary: COL5A1 c.683C>T (p.Ser228Leu) results in a non-conservative amino acid change located in the Laminin G domain (IPR001791) of the encoded protein sequence. Four of five in-silico tools predict a benign effect of the variant on protein function. The variant allele was found at a frequency of 3.8e-05 in 1613890 control chromosomes. The observed variant frequency is approximately equal to the estimated maximal expected allele frequency for a pathogenic variant in COL5A1 causing Ehlers-Danlos Syndrome phenotype (3.1e-05). To our knowledge, no occurrence of c.683C>T in individuals affected with Ehlers-Danlos Syndrome and no experimental evidence demonstrating its impact on protein function have been reported. ClinVar contains an entry for this variant (Variation ID: 624375). Based on the evidence outlined above, the variant was classified as likely benign.

Blueprint Genetics
Classification: Likely benign. Last evaluated: 2023-06-01. Review status: criteria provided, single submitter. Criteria: ACMG Guidelines, 2015. Collection method: clinical testing. Allele origin: germline.

GeneDx
Classification: Uncertain significance. Last evaluated: 2022-07-15. Review status: criteria provided, single submitter. Criteria: GeneDx Variant Classification Process June 2021. Collection method: clinical testing. Allele origin: germline. Affected: yes.
Comment: In silico analysis supports that this missense variant has a deleterious effect on protein structure/function; Has not been previously published as pathogenic or benign to our knowledge; Not located in the triple helical region, where the majority of pathogenic missense variants occur (Symoens et al., 2012; HGMD); This variant is associated with the following publications: (PMID: 22696272)

CeGaT Center for Human Genetics Tuebingen
Classification: Uncertain significance. Last evaluated: 2018-09-01. Review status: criteria provided, single submitter. Criteria: CeGaT Center For Human Genetics Tuebingen Variant Classification Criteria Version 2. Collection method: clinical testing. Allele origin: germline. Affected: yes. Observed: 1 variant allele.

NM_000093.5(COL5A1):c.683C>T (p.Ser228Leu)

Gene: COL5A1 (collagen type V alpha 1 chain; plus strand). Cytogenetic location: 9q34.3.
Variant type: single nucleotide variant.
Coding change: c.683C>T on transcript NM_000093.5 (MANE Select); coding-DNA position 683, C replaced by T.
Protein change: p.Ser228Leu; replaces serine 228 with leucine.
Molecular consequence: missense variant.
Genome position (GRCh38, 1-based): chr9:134,727,294, C>T. VCF-style: chr9-134727294-C-T. GRCh37 (hg19) VCF-style: chr9-137619140-C-T.
Other names: c.683C>T, p.Ser228Leu (NM_001278074.1); short protein forms S228L.
Identifiers: ClinVar variation 624375 (VCV000624375.53), dbSNP rs770737485, ClinGen allele CA5318492.